The following is an entry in ClinVar:

ClinVar aggregate classification (germline): Uncertain significance (1 of 4 stars; one submission).

Conditions:
Spastic paraplegia. Identifiers: MedGen C0037772, HP:0001258.

Submission:

Labcorp Genetics (formerly Invitae), Labcorp
Classification: Uncertain significance for Spastic paraplegia. Last evaluated: 2021-04-28. Review status: criteria provided, single submitter. Criteria: Invitae Variant Classification Sherloc (09022015). Collection method: clinical testing. Allele origin: germline.
Comment: This variant, c.469_474del, results in the deletion of 2 amino acid(s) of the GJC2 protein (p.Glu157_Glu158del), but otherwise preserves the integrity of the reading frame. The frequency data for this variant in the population databases is considered unreliable, as metrics indicate insufficient coverage at this position in the ExAC database. This variant has not been reported in the literature in individuals with GJC2-related conditions. Experimental studies and prediction algorithms are not available or were not evaluated, and the functional significance of this variant is currently unknown. In summary, the available evidence is currently insufficient to determine the role of this variant in disease. Therefore, it has been classified as a Variant of Uncertain Significance.

NM_020435.4(GJC2):c.454GAG[5] (p.Glu157_Glu158del)

Gene: GJC2 (gap junction protein gamma 2; plus strand). Cytogenetic location: 1q42.13.
Variant type: Microsatellite.
Coding change: c.454GAG[5] on transcript NM_020435.4 (MANE Select); five copies in a row of the 3-base unit GAG starting at c.454; the reference has seven copies in a row; two copies, 6 bases deleted.
Protein change: p.Glu157_Glu158del.
Molecular consequence: inframe deletion.
Genome position (GRCh38, 1-based): chr1:228,158,227-228,158,232, GAGGAG deleted; deleting any 6 consecutive bases within chr1:228,158,212-228,158,232 gives the same sequence; the position shown is the placement nearest the transcript's 3' end. VCF-style (leftmost placement, unchanged base first): chr1-228158211-CGAGGAG-C. GRCh37 (hg19) VCF-style: chr1-228345912-CGAGGAG-C.
Identifiers: ClinVar variation 1383367 (VCV001383367.8), dbSNP rs746050475, ClinGen allele CA529465557.